The following is an entry in ClinVar:

NM_005033.3(EXOSC9):c.522+4A>T

Gene: EXOSC9 (exosome component 9; plus strand). Cytogenetic location: 4q27.
Variant type: single nucleotide variant.
Coding change: c.522+4A>T on transcript NM_005033.3 (MANE Select); 4 bases into the intron after coding-DNA position 522, A replaced by T.
Molecular consequence: intron variant.
Genome position (GRCh38, 1-based): chr4:121,804,763, A>T. VCF-style: chr4-121804763-A-T. GRCh37 (hg19) VCF-style: chr4-122725918-A-T.
Other names: c.522+4A>T (NM_001034194.2).
Identifiers: ClinVar variation 2023613 (VCV002023613.4), dbSNP rs753480297, ClinGen allele CA2580071434.

ClinVar aggregate classification (germline): Uncertain significance (1 of 4 stars; one submission).

Submission:

Labcorp Genetics (formerly Invitae), Labcorp
Classification: Uncertain significance. Last evaluated: 2023-04-05. Review status: criteria provided, single submitter. Criteria: Invitae Variant Classification Sherloc (09022015). Collection method: clinical testing. Allele origin: germline.
Comment: This sequence change falls in intron 5 of the EXOSC9 gene. It does not directly change the encoded amino acid sequence of the EXOSC9 protein. It affects a nucleotide within the consensus splice site. This variant is not present in population databases (gnomAD no frequency). This variant has not been reported in the literature in individuals affected with EXOSC9-related conditions. ClinVar contains an entry for this variant (Variation ID: 2023613). Variants that disrupt the consensus splice site are a relatively common cause of aberrant splicing (PMID: 17576681, 9536098). Algorithms developed to predict the effect of sequence changes on RNA splicing suggest that this variant is not likely to affect RNA splicing. In summary, the available evidence is currently insufficient to determine the role of this variant in disease. Therefore, it has been classified as a Variant of Uncertain Significance.

Literature cited by the submitters: PubMed 17576681; PubMed 9536098.